The following is an entry in ClinVar:

NM_007294.4(BRCA1):c.81-7C>G

Gene: BRCA1 (BRCA1 DNA repair associated; minus strand). Cytogenetic location: 17q21.31.
Variant type: single nucleotide variant.
Coding change: c.81-7C>G on transcript NM_007294.4 (MANE Select); 7 bases into the intron before coding-DNA position 81, C replaced by G.
Molecular consequence: intron variant.
Genome position (GRCh38, 1-based): chr17:43,115,786, G>C on the plus strand (C>G on the coding strand, the complement: BRCA1 is on the minus strand). VCF-style: chr17-43115786-G-C. GRCh37 (hg19) VCF-style: chr17-41267803-G-C.
Other names: c.-177-7C>G (NM_001407694.1, NM_001407696.1, NM_001407727.1 and 13 more transcripts); c.-181-7C>G (NM_001408465.1, NM_001407695.1); c.-108-7C>G (NM_001408482.1, NM_001407954.1, NM_001407896.1 and 52 more transcripts); c.-61-7C>G (NM_001407920.1, NM_001408504.1, NM_001408463.1 and 47 more transcripts); c.-8+5772C>G (NM_001407751.1, NM_001407726.1); c.81-7C>G (NM_001408422.1, NM_001407874.1, NM_001408416.1 and 191 more transcripts); c.-224-7C>G (NM_001407900.1, NM_001408492.1, NM_001407889.1); c.-57-7C>G (NM_001407841.1); and 10 more.
Identifiers: ClinVar variation 868112 (VCV000868112.8), dbSNP rs2055265891, ClinGen allele CA916081036.

ClinVar aggregate classification (germline): Likely benign (1 of 4 stars; one submission).

Conditions:
Hereditary breast ovarian cancer syndrome. Also called: Hereditary breast and ovarian cancer; Hereditary breast and ovarian cancer syndrome (HBOC); Breast and ovarian cancer; Hereditary breast and/or ovarian cancer syndrome; BRCA1- and BRCA2-Associated Hereditary Breast and Ovarian Cancer; Hereditary breast and ovarian cancer syndrome. Identifiers: Orphanet 145, MedGen C0677776, MeSH D061325, MONDO:0003582. Disease mechanism: loss of function.

Submissions (2):

Labcorp Genetics (formerly Invitae), Labcorp
Classification: Likely benign for Hereditary breast ovarian cancer syndrome. Last evaluated: 2021-12-29. Review status: criteria provided, single submitter. Criteria: Invitae Variant Classification Sherloc (09022015). Collection method: clinical testing. Allele origin: germline.

Brotman Baty Institute, University of Washington
No classification provided (evidence only). Condition: Breast-ovarian cancer, familial 1. Review status: no classification provided. Collection method: in vitro. Allele origin: not applicable. Functional consequence: functionally_normal. Not counted in ClinVar's aggregate classification.
ClinVar note: "not provided" was previously submitted as the classification for the variant. However, the classification appeared to be based only on an observation of functional data so it was converted to no classification on 2025-07-30.